The following is an entry in ClinVar:

NM_025114.4(CEP290):c.5783del (p.Lys1928fs)

Gene: CEP290 (centrosomal protein 290; minus strand). Cytogenetic location: 12q21.32.
Variant type: Deletion.
Coding change: c.5783del on transcript NM_025114.4 (MANE Select); coding-DNA position 5783, one base deleted (A; older notation c.5783delA).
Protein change: p.Lys1928fs; shifts the reading frame from lysine 1928.
Molecular consequence: frameshift variant.
Genome position (GRCh38, 1-based): chr12:88,071,853, T deleted on the plus strand (A on the coding strand, the reverse complement: CEP290 is on the minus strand); the first of 2 consecutive T bases (chr12:88,071,853-88,071,854); deleting either gives the same sequence. VCF-style (leftmost placement, unchanged base first): chr12-88071852-CT-C. GRCh37 (hg19) VCF-style: chr12-88465629-CT-C.
Other names: short protein forms K1928fs.
Identifiers: ClinVar variation 1068566 (VCV001068566.7), dbSNP rs2136964738, ClinGen allele CA2499221869.

ClinVar aggregate classification (germline): Pathogenic (1 of 4 stars; one submission).

Conditions:
Joubert syndrome. Also called: Familial aplasia of the vermis; CEREBELLOPARENCHYMAL DISORDER IV; JOUBERT-BOLTSHAUSER SYNDROME. Identifiers: Orphanet 475, MedGen C5979921, MONDO:0018772.
Meckel-Gruber syndrome. Also called: Dysencephalia splachnocystica; DYSENCEPHALIA SPLANCHNOCYSTICA; GRUBER SYNDROME. Identifiers: Orphanet 564, MedGen C0265215, MONDO:0018921.
Nephronophthisis. Also called: Juvenile Nephronophthisis. Identifiers: Orphanet 655, MedGen C0687120, MONDO:0019005, HP:0000090.

Submission:

Labcorp Genetics (formerly Invitae), Labcorp
Classification: Pathogenic for Joubert syndrome; Meckel-Gruber syndrome; Nephronophthisis. Last evaluated: 2020-07-26. Review status: criteria provided, single submitter. Criteria: Invitae Variant Classification Sherloc (09022015). Collection method: clinical testing. Allele origin: germline.
Comment: This sequence change creates a premature translational stop signal (p.Lys1928Serfs*2) in the CEP290 gene. It is expected to result in an absent or disrupted protein product. This variant is not present in population databases (ExAC no frequency). This variant has not been reported in the literature in individuals with CEP290-related conditions. Loss-of-function variants in CEP290 are known to be pathogenic (PMID: 16909394, 17345604, 20690115, 25377065, 28559085). For these reasons, this variant has been classified as Pathogenic.

Literature cited by the submitters: PubMed 16909394; PubMed 17345604; PubMed 20690115; PubMed 25377065; PubMed 28559085.